The following is an entry in ClinVar:

NM_001430.5(EPAS1):c.1909A>C (p.Thr637Pro)

Gene: EPAS1 (endothelial PAS domain protein 1; plus strand). Cytogenetic location: 2p21.
Variant type: single nucleotide variant.
Coding change: c.1909A>C on transcript NM_001430.5 (MANE Select); coding-DNA position 1909, A replaced by C.
Protein change: p.Thr637Pro; replaces threonine 637 with proline.
Molecular consequence: missense variant.
Genome position (GRCh38, 1-based): chr2:46,380,581, A>C. VCF-style: chr2-46380581-A-C. GRCh37 (hg19) VCF-style: chr2-46607720-A-C.
Other names: short protein forms T637P.
Identifiers: ClinVar variation 1782454 (VCV001782454.2), dbSNP rs2103673421, ClinGen allele CA346705127.

ClinVar aggregate classification (germline): Uncertain significance (1 of 4 stars; one submission).

Conditions:
Inborn genetic diseases. Identifiers: MedGen C0950123, MeSH D030342.

Submission:

Ambry Genetics
Classification: Uncertain significance for Inborn genetic diseases. Last evaluated: 2021-12-10. Review status: criteria provided, single submitter. Criteria: Ambry Variant Classification Scheme 2023. Collection method: clinical testing. Allele origin: germline.
Comment: The p.T637P variant (also known as c.1909A>C), located in coding exon 12 of the EPAS1 gene, results from an A to C substitution at nucleotide position 1909. The threonine at codon 637 is replaced by proline, an amino acid with highly similar properties. This amino acid position is conserved. In addition, this alteration is predicted to be tolerated by in silico analysis. Since supporting evidence is limited at this time, the clinical significance of this alteration remains unclear.